The following is an entry in ClinVar:

ClinVar aggregate classification (germline): Uncertain significance (1 of 4 stars; one submission).

Conditions:
Ullrich congenital muscular dystrophy 2 (UCMD2). Identifiers: Orphanet 75840, MedGen C4225314, MONDO:0014654, OMIM 616470.
Bethlem myopathy 2 (BTHLM2). Identifiers: Orphanet 536516, Orphanet 610, MedGen C4225313, MONDO:0034022, OMIM 616471.

Submission:

Labcorp Genetics (formerly Invitae), Labcorp
Classification: Uncertain significance for Bethlem myopathy 2; Ullrich congenital muscular dystrophy 2. Last evaluated: 2022-09-30. Review status: criteria provided, single submitter. Criteria: Invitae Variant Classification Sherloc (09022015). Collection method: clinical testing. Allele origin: germline.
Comment: In summary, the available evidence is currently insufficient to determine the role of this variant in disease. Therefore, it has been classified as a Variant of Uncertain Significance. Advanced modeling of protein sequence and biophysical properties (such as structural, functional, and spatial information, amino acid conservation, physicochemical variation, residue mobility, and thermodynamic stability) performed at Invitae indicates that this missense variant is not expected to disrupt COL12A1 protein function. This variant has not been reported in the literature in individuals affected with COL12A1-related conditions. This variant is not present in population databases (gnomAD no frequency). This sequence change replaces leucine, which is neutral and non-polar, with phenylalanine, which is neutral and non-polar, at codon 1133 of the COL12A1 protein (p.Leu1133Phe).

NM_004370.6(COL12A1):c.3399A>C (p.Leu1133Phe)

Gene: COL12A1 (collagen type XII alpha 1 chain; minus strand). Cytogenetic location: 6q13.
Variant type: single nucleotide variant.
Coding change: c.3399A>C on transcript NM_004370.6 (MANE Select); coding-DNA position 3399, A replaced by C.
Protein change: p.Leu1133Phe; replaces leucine 1133 with phenylalanine.
Molecular consequence: missense variant. On other transcripts: intron variant (1).
Genome position (GRCh38, 1-based): chr6:75,155,706, T>G on the plus strand (A>C on the coding strand, the complement: COL12A1 is on the minus strand). VCF-style: chr6-75155706-T-G. GRCh37 (hg19) VCF-style: chr6-75865422-T-G.
Other names: c.74-3224A>C (NM_080645.3); short protein forms L1133F.
Identifiers: ClinVar variation 1720711 (VCV001720711.6), dbSNP rs2533420679, ClinGen allele CA364752145.